The following is an entry in ClinVar:

NM_020779.4(WDR35):c.3121+3G>A

Gene: WDR35 (WD repeat domain 35; minus strand). Cytogenetic location: 2p24.1.
Variant type: single nucleotide variant.
Coding change: c.3121+3G>A on transcript NM_020779.4 (MANE Select); 3 bases into the intron after coding-DNA position 3121, G replaced by A.
Molecular consequence: intron variant.
Genome position (GRCh38, 1-based): chr2:19,930,393, C>T on the plus strand (G>A on the coding strand, the complement: WDR35 is on the minus strand). VCF-style: chr2-19930393-C-T. GRCh37 (hg19) VCF-style: chr2-20130154-C-T.
Other names: c.3154+3G>A (NM_001006657.2).
Identifiers: ClinVar variation 283797 (VCV000283797.48), dbSNP rs200042577, ClinGen allele CA1542749.
Genomic context (GRCh38, chr2:19,930,393, plus strand): 5'-CTAGCCCTTCATACTCAATTTATAATTTTCAGACATACTATACACATTAGGTGACATGCC[C>T]ACCTGTCTTCAGTGCAGTGTCCACACATCCCTCATAGAGCTGCCTCTGTGCAAGTATAAA-3'

ClinVar aggregate classification (germline): Likely benign. Review status: criteria provided, multiple submitters, no conflicts (2 of 4 stars). 10 submissions from 9 submitters: Likely benign (8). 2 of the submissions do not count toward it. Last evaluated 2026-09-01.

Conditions:
Cranioectodermal dysplasia 2 (CED2). Identifiers: Orphanet 1515, MedGen C3150874, MONDO:0013323, OMIM 613610.
Short-rib thoracic dysplasia 7 with or without polydactyly (SRTD7). Also called: SHORT-RIB THORACIC DYSPLASIA 7 WITH POLYDACTYLY; Short rib polydactyly syndrome 5. Identifiers: Orphanet 498497, Orphanet 93271, MedGen C3279792, MONDO:0013569, OMIM 614091.

Allele frequency attached by ClinVar (database versions not stated): 1000 Genomes Project 0.00060; 1000 Genomes Project 30x 0.00062; ExAC 0.00174; gnomAD 0.00195 and 0.00199; gnomAD exomes 0.00197 and 0.00257; ESP Exome Variant Server 0.00208; TOPMed 0.00227.
gnomAD v4.1: 4,053 of 1,614,120 alleles (0.25%); highest among the groups gnomAD compares: Non-Finnish European, 0.3%; 10 homozygotes.

Submissions (10):

CeGaT Center for Human Genetics Tuebingen
Classification: Likely benign. Last evaluated: 2026-09-01. Review status: criteria provided, single submitter. Criteria: CeGaT Center For Human Genetics Tuebingen Variant Classification Criteria Version 2. Collection method: clinical testing. Allele origin: germline. Affected: yes. Observed: 4 variant alleles.
Comment: WDR35: BP4, BS2

Labcorp Genetics (formerly Invitae), Labcorp
Classification: Likely benign for Cranioectodermal dysplasia 2; Short-rib thoracic dysplasia 7 with or without polydactyly. Last evaluated: 2026-02-02. Review status: criteria provided, single submitter. Criteria: Invitae Variant Classification Sherloc (09022015). Collection method: clinical testing. Allele origin: germline.

Blueprint Genetics
Classification: Likely benign. Last evaluated: 2024-11-19. Review status: criteria provided, single submitter. Criteria: ACMG Guidelines, 2015. Collection method: clinical testing. Allele origin: germline.

GeneDx
Classification: Likely benign. Last evaluated: 2021-05-24. Review status: criteria provided, single submitter. Criteria: GeneDx Variant Classification Process June 2021. Collection method: clinical testing. Allele origin: germline. Affected: yes.

Illumina Laboratory Services, Illumina
Classification: Likely benign for Cranioectodermal dysplasia 2. Last evaluated: 2018-01-12. Review status: criteria provided, single submitter. Criteria: ICSL Variant Classification Criteria 13 December 2019. Collection method: clinical testing. Allele origin: germline.
Comment: This variant was observed in the ICSL laboratory as part of a predisposition screen in an ostensibly healthy population. It had not been previously curated by ICSL or reported in the Human Gene Mutation Database (HGMD: prior to June 1st, 2018), and was therefore a candidate for classification through an automated scoring system. Utilizing variant allele frequency, disease prevalence and penetrance estimates, and inheritance mode, an automated score was calculated to assess if this variant is too frequent to cause the disease. Based on the score and internal cut-off values, a variant classified as likely benign is not then subjected to further curation. The score for this variant resulted in a classification of likely benign for this disease.

Illumina Laboratory Services, Illumina
Classification: Likely benign for Short-rib thoracic dysplasia 7 with or without polydactyly. Last evaluated: 2018-01-12. Review status: criteria provided, single submitter. Criteria: ICSL Variant Classification Criteria 13 December 2019. Collection method: clinical testing. Allele origin: germline.
Comment: the same text as in the submission from Illumina Laboratory Services, Illumina above.

Eurofins Ntd Llc (ga)
Classification: Likely benign. Last evaluated: 2015-10-08. Review status: criteria provided, single submitter. Criteria: EGL Classification Definitions 2015. Collection method: clinical testing. Allele origin: germline. Observed: 1 variant allele.

Breakthrough Genomics
Classification: Likely benign. Review status: criteria provided, single submitter. Criteria: ACMG Guidelines, 2015. Collection method: not provided. Allele origin: germline. Inheritance: Autosomal recessive inheritance. Affected: yes.

Clinical Genetics DNA and cytogenetics Diagnostics Lab, Erasmus MC, Erasmus Medical Center
Classification: Likely benign. Review status: no assertion criteria provided. Collection method: clinical testing. Allele origin: germline. Affected: yes. Study: VKGL Data-share Consensus. Not counted in ClinVar's aggregate classification.

Laboratory of Diagnostic Genome Analysis, Leiden University Medical Center (LUMC)
Classification: Likely benign. Review status: no assertion criteria provided. Collection method: clinical testing. Allele origin: germline. Affected: yes. Study: VKGL Data-share Consensus. Not counted in ClinVar's aggregate classification.